The following is an entry in ClinVar:

ClinVar aggregate classification (germline): Benign/Likely benign. Review status: criteria provided, multiple submitters, no conflicts (2 of 4 stars). 11 submissions from 11 submitters: Benign (4); Likely benign (2). 5 of the submissions do not count toward it. Last evaluated 2024-11-28.

Conditions:
Arterial calcification, generalized, of infancy, 2. Identifiers: Orphanet 51608, MedGen C3276161, MONDO:0013768, OMIM 614473.
Autosomal recessive inherited pseudoxanthoma elasticum (PXE). Identifiers: Orphanet 758, MedGen CN032334, MONDO:0009925, OMIM 264800.

Allele frequency attached by ClinVar (database versions not stated): 1000 Genomes Project 0.01577; 1000 Genomes Project 30x 0.01608; gnomAD 0.03097 and 0.03265; TOPMed 0.03164; ExAC 0.05682.

Submissions (11):

Blueprint Genetics
Classification: Likely benign. Last evaluated: 2024-11-28. Review status: criteria provided, single submitter. Criteria: ACMG Guidelines, 2015. Collection method: clinical testing. Allele origin: germline.

Mayo Clinic Laboratories, Mayo Clinic
Classification: Benign. Last evaluated: 2024-01-04. Review status: criteria provided, single submitter. Criteria: ACMG Guidelines, 2015. Collection method: clinical testing. Allele origin: germline. Observed: 16 variant alleles.
Comment: BA1, BP4, BP7

CeGaT Center for Human Genetics Tuebingen
Classification: Benign. Last evaluated: 2022-07-01. Review status: criteria provided, single submitter. Criteria: CeGaT Center For Human Genetics Tuebingen Variant Classification Criteria Version 2. Collection method: clinical testing. Allele origin: germline. Affected: yes. Observed: 1 variant allele.
Comment: ABCC6: BP4, BS1, BS2

Victorian Clinical Genetics Services, Murdoch Childrens Research Institute
Classification: Likely benign for Arterial calcification, generalized, of infancy, 2. Last evaluated: 2020-05-21. Review status: criteria provided, single submitter. Criteria: ACMG Guidelines, 2015. Collection method: clinical testing. Allele origin: germline.
Comment: A heterozygous splice site variant was identified, NM_001171.5(ABCC6):c.346-6G>A in intron 3 of the ABCC6 gene. The nucleotide at this position has low conservation (PhyloP, UCSC). In silico software does not predict the splice site variant to cause aberrant splicing (NetGene2, NNSPLICE, Human Splicing Finder). The variant is present in the gnomAD population database at a frequency of 3% (2271 heterozygotes, 62 homozygotes). It has been previously reported in patients with Pseudoxanthoma elasticum (ClinVar, Schultz, V. et al. (2006), Li, Q. et al. (2014)). Based on information available at the time of curation, this variant has been classified as LIKELY BENIGN. Legend: (P) - Pathogenic, (N) - Neutral, (B) - Benign

GeneDx
Classification: Benign. Last evaluated: 2018-12-12. Review status: criteria provided, single submitter. Criteria: GeneDx Variant Classification Process June 2021. Collection method: clinical testing. Allele origin: germline. Affected: yes.
Comment: This variant is associated with the following publications: (PMID: 24008425, 28655553, 27884173, 16835894, 16086317, 11702217)

Breakthrough Genomics
Classification: Benign. Review status: criteria provided, single submitter. Criteria: ACMG Guidelines, 2015. Collection method: not provided. Allele origin: germline. Inheritance: Autosomal recessive inheritance. Affected: yes.

PXE International
Classification: Benign for Autosomal recessive inherited pseudoxanthoma elasticum. Last evaluated: 2021-03-01. Review status: no assertion criteria provided. Collection method: research. Allele origin: germline. Inheritance: Autosomal recessive inheritance. Affected: yes. Observed: 1 variant allele. Not counted in ClinVar's aggregate classification.

Reproductive Health Research and Development, BGI Genomics
Classification: Likely benign for Pseudoxanthoma elasticum. Last evaluated: 2020-01-06. Review status: no assertion criteria provided. Collection method: curation. Allele origin: germline. Not counted in ClinVar's aggregate classification.
Comment: NG_007558.2(NM_001171.5):c.346-6G>A in the ABCC6 gene has an allele frequency of 0.05 in European (non-Finnish) subpopulation in the gnomAD database. One family with generalized arterial calcification of infancy had compound heterozygous mutations c.346-6G>A and p.R1141 in intron 3 and exon 24 of ABCC6 (PMID24008425). Benign computational verdict because benign prediction from DANN. Taken together, we interprete this variant as Benign/Likely benign variant. ACMG/AMP criteria applied: BS1, BP4, PM3, PP4.

Clinical Genetics, Academic Medical Center
Classification: Benign. Review status: no assertion criteria provided. Collection method: clinical testing. Allele origin: germline. Affected: yes. Study: VKGL Data-share Consensus. Not counted in ClinVar's aggregate classification.

Genome Diagnostics Laboratory, University Medical Center Utrecht
Classification: Likely benign. Review status: no assertion criteria provided. Collection method: clinical testing. Allele origin: germline. Affected: yes. Study: VKGL Data-share Consensus. Not counted in ClinVar's aggregate classification.

Laboratory of Diagnostic Genome Analysis, Leiden University Medical Center (LUMC)
Classification: Likely benign. Review status: no assertion criteria provided. Collection method: clinical testing. Allele origin: germline. Affected: yes. Study: VKGL Data-share Consensus. Not counted in ClinVar's aggregate classification.

Literature cited by the submitters: PubMed 16086317 (cited by PXE International).

NM_001171.6(ABCC6):c.346-6G>A

Gene: ABCC6 (ATP binding cassette subfamily C member 6; minus strand). Cytogenetic location: 16p13.11.
Variant type: single nucleotide variant.
Coding change: c.346-6G>A on transcript NM_001171.6 (MANE Select); 6 bases into the intron before coding-DNA position 346, G replaced by A.
Molecular consequence: intron variant.
Genome position (GRCh38, 1-based): chr16:16,219,688, C>T on the plus strand (G>A on the coding strand, the complement: ABCC6 is on the minus strand). VCF-style: chr16-16219688-C-T. GRCh37 (hg19) VCF-style: chr16-16313545-C-T.
Other names: p.?; c.4-6G>A (NM_001351800.1).
Identifiers: ClinVar variation 433286 (VCV000433286.43), dbSNP rs55778939, ClinGen allele CA7926652.